The following is an entry in ClinVar:

ClinVar aggregate classification (germline): Likely pathogenic (0 of 4 stars; one submission).

Conditions:
Retinitis pigmentosa (RP). Identifiers: Orphanet 791, MedGen C0035334, MeSH D012174, MONDO:0019200, OMIM 268000. Inheritance: Autosomal dominant, autosomal recessive and X linked inheritance.

Submission:

Department of Ophthalmology and Visual Sciences Kyoto University
Classification: Likely pathogenic for Retinitis pigmentosa. Review status: no assertion criteria provided. Collection method: not provided. Allele origin: unknown.
ClinVar note: Converted during submission from probable-pathogenic to Likely pathogenic.

NM_001034853.2(RPGR):c.1084_1087dup (p.Val363fs)

Gene: RPGR (retinitis pigmentosa GTPase regulator; minus strand). Cytogenetic location: Xp11.4.
Variant type: Duplication.
Coding change: c.1084_1087dup on transcript NM_001034853.2 (MANE Select); coding-DNA positions 1084 to 1087, 4 bases duplicated (GTAG; older notation c.1084_1087dupGTAG).
Protein change: p.Val363fs; shifts the reading frame from valine 363.
Molecular consequence: frameshift variant. On other transcripts: non-coding transcript variant (6), intron variant (2).
Genome position (GRCh38, 1-based): chrX:38,299,114-38,299,117, CTAC duplicated on the plus strand (GTAG on the coding strand, the reverse complement: RPGR is on the minus strand); duplicating any 4 consecutive bases within chrX:38,299,114-38,299,118 gives the same sequence; the c. name uses the placement nearest the transcript's 3' end. VCF-style (leftmost placement, unchanged base first): chrX-38299113-A-ACTAC. GRCh37 (hg19) VCF-style: chrX-38158366-A-ACTAC.
Other names: c.1084_1087dup, p.Val363fs (NM_000328.3, NM_001367247.1); c.1081_1084dup, p.Val362fs (NM_001367245.1, NM_001367249.1, NM_001367250.1); c.1114_1117dup, p.Val373fs (NM_001367248.1); c.1060-1665_1060-1662dup (NM_001367251.1, NM_001367246.1); short protein forms V373fs, V362fs, V363fs.
Identifiers: ClinVar variation 143089 (VCV000143089.2), dbSNP rs527236109, ClinGen allele CA270033.
Genomic context (GRCh38, chrX:38,299,113, plus strand): 5'-GTATCATTTATTTCATCGAATTCAATTTCTTTTGCCACACCACGATGAGGAGCAGCAAAA[A>ACTAC]CTACCATGTGACATCCACCACAAGCAACCTGCAGCATAAATCCACAGAAAAACTCATCAA-3'